The following is an entry in ClinVar:

NM_025099.6(CTC1):c.656T>C (p.Leu219Pro)

Gene: CTC1 (CST telomere replication complex component 1; minus strand). Cytogenetic location: 17p13.1.
Variant type: single nucleotide variant.
Coding change: c.656T>C on transcript NM_025099.6 (MANE Select); coding-DNA position 656, T replaced by C.
Protein change: p.Leu219Pro; replaces leucine 219 with proline.
Molecular consequence: missense variant.
Genome position (GRCh38, 1-based): chr17:8,237,511, A>G on the plus strand (T>C on the coding strand, the complement: CTC1 is on the minus strand). VCF-style: chr17-8237511-A-G. GRCh37 (hg19) VCF-style: chr17-8140829-A-G.
Other names: short protein forms L219P.
Identifiers: ClinVar variation 1352993 (VCV001352993.5), dbSNP rs750372074, ClinGen allele CA8372573.
Genomic context (GRCh38, chr17:8,237,511, plus strand): 5'-CTTTTCACCAGAGCACTCAATCGAACTAGACTCCCAGCCAGGTTTCGCTGCACACCTCTG[A>G]GCTTGTTTCTAAGAAGGAAGAAAAAGCCCTGTAATCCCAGCTACTCAGGAGGCTGAGGGA-3'
Protein context (NP_079375.3, residues 209-229): ASCLLRLRNK[Leu219Pro]RGVQRNLAGS

ClinVar aggregate classification (germline): Uncertain significance (1 of 4 stars; one submission).

Conditions:
Dyskeratosis congenita. Identifiers: Orphanet 1775, MedGen C0265965, MONDO:0015780.

Allele frequency attached by ClinVar (database versions not stated): gnomAD exomes below 0.00001 and 0.00001; TOPMed below 0.00001; ExAC 0.00001.
gnomAD v4.1: 11 of 1,613,922 alleles (0.00068%); highest among the groups gnomAD compares: Non-Finnish European, 0.00085%; no homozygotes.

Submission:

Labcorp Genetics (formerly Invitae), Labcorp
Classification: Uncertain significance for Dyskeratosis congenita. Last evaluated: 2021-09-24. Review status: criteria provided, single submitter. Criteria: Invitae Variant Classification Sherloc (09022015). Collection method: clinical testing. Allele origin: germline.
Comment: This sequence change replaces leucine with proline at codon 219 of the CTC1 protein (p.Leu219Pro). The leucine residue is moderately conserved and there is a moderate physicochemical difference between leucine and proline. This variant is present in population databases (rs750372074, ExAC 0.002%). This variant has not been reported in the literature in individuals with CTC1-related conditions. Algorithms developed to predict the effect of missense changes on protein structure and function output the following: SIFT: "Tolerated"; PolyPhen-2: "Benign"; Align-GVGD: "Class C0". The proline amino acid residue is found in multiple mammalian species, suggesting that this missense change does not adversely affect protein function. These predictions have not been confirmed by published functional studies and their clinical significance is uncertain. In summary, the available evidence is currently insufficient to determine the role of this variant in disease. Therefore, it has been classified as a Variant of Uncertain Significance.